The following is an entry in ClinVar:

NM_003331.5(TYK2):c.2004G>A (p.Thr668=)

Gene: TYK2 (tyrosine kinase 2; minus strand). Cytogenetic location: 19p13.2.
Variant type: single nucleotide variant.
Coding change: c.2004G>A on transcript NM_003331.5 (MANE Select); coding-DNA position 2004, G replaced by A.
Protein change: p.Thr668=; no amino-acid change (threonine 668 retained).
Molecular consequence: synonymous variant.
Genome position (GRCh38, 1-based): chr19:10,361,554, C>T on the plus strand (G>A on the coding strand, the complement: TYK2 is on the minus strand). VCF-style: chr19-10361554-C-T. GRCh37 (hg19) VCF-style: chr19-10472230-C-T.
Other names: c.2004G>A (NM_003331.4); c.2004G>A, p.Thr668= (NM_001385197.1, NM_001385198.1, NM_001385200.1 and 2 more transcripts); c.1818G>A, p.Thr606= (NM_001385199.1); c.1806G>A, p.Thr602= (NM_001385201.1); c.1920G>A, p.Thr640= (NM_001385202.1); c.1914G>A, p.Thr638= (NM_001385205.1); c.1878G>A, p.Thr626= (NM_001385206.1); c.1986G>A, p.Thr662= (NM_001385207.1).
Identifiers: ClinVar variation 1657230 (VCV001657230.10), dbSNP rs774416670, ClinGen allele CA9193218.

ClinVar aggregate classification (germline): Likely benign. Review status: criteria provided, single submitter (1 of 4 stars). 2 submissions from 2 submitters: Likely benign (1). 1 of the submissions does not count toward it. Last evaluated 2024-06-25.

Conditions:
TYK2-related disorder. Also called: TYK2-related condition.
Immunodeficiency 35 (IMD35). Also called: TYK2 DEFICIENCY; HIES WITH ATYPICAL MYCOBACTERIOSIS, AUTOSOMAL RECESSIVE; Susceptibility to infection due to TYK2 deficiency; HYPER-IgE SYNDROME WITH ATYPICAL MYCOBACTERIOSIS, AUTOSOMAL RECESSIVE. Identifiers: Orphanet 331226, MedGen C1969086, MONDO:0012682, OMIM 611521.

Allele frequency attached by ClinVar (database versions not stated): TOPMed 0.00001; gnomAD 0.00003; ExAC 0.00005.
gnomAD v4.1: 18 of 1,547,890 alleles (0.0012%); highest among the groups gnomAD compares: African/African-American, 0.0096%; no homozygotes.

Submissions (2):

Labcorp Genetics (formerly Invitae), Labcorp
Classification: Likely benign for Immunodeficiency 35. Last evaluated: 2024-06-25. Review status: criteria provided, single submitter. Criteria: Invitae Variant Classification Sherloc (09022015). Collection method: clinical testing. Allele origin: germline.

PreventionGenetics, part of Exact Sciences
Classification: Likely benign for TYK2-related condition. Last evaluated: 2019-06-20. Review status: no assertion criteria provided. Collection method: clinical testing. Allele origin: germline. Not counted in ClinVar's aggregate classification.
Comment: This variant is classified as likely benign based on ACMG/AMP sequence variant interpretation guidelines (Richards et al. 2015 PMID: 25741868, with internal and published modifications).